The following is an entry in ClinVar:

NM_017635.5(KMT5B):c.696C>G (p.Ala232=)

Gene: KMT5B (lysine methyltransferase 5B; minus strand). Cytogenetic location: 11q13.2.
Variant type: single nucleotide variant.
Coding change: c.696C>G on transcript NM_017635.5 (MANE Select); coding-DNA position 696, C replaced by G.
Protein change: p.Ala232=; no amino-acid change (alanine 232 retained).
Molecular consequence: synonymous variant. On other transcripts: non-coding transcript variant (2), intron variant (1).
Genome position (GRCh38, 1-based): chr11:68,171,667, G>C on the plus strand (C>G on the coding strand, the complement: KMT5B is on the minus strand). VCF-style: chr11-68171667-G-C. GRCh37 (hg19) VCF-style: chr11-67939134-G-C.
Other names: c.180C>G, p.Ala60= (NM_001369429.1, NM_001369430.1, NM_001369431.1 and 5 more transcripts); c.696C>G, p.Ala232= (NM_016028.4, NM_001363566.2, NM_001369426.1 and 1 more transcripts); c.-14-11C>G (NM_001300908.2); c.627C>G, p.Ala209= (NM_001300909.2); c.483C>G, p.Ala161= (NM_001369425.1).
Identifiers: ClinVar variation 1879210 (VCV001879210.29), dbSNP rs140135686, ClinGen allele CA6148356.

ClinVar aggregate classification (germline): Likely benign (1 of 4 stars; one submission).

Allele frequency attached by ClinVar (database versions not stated): gnomAD 0.00013; TOPMed 0.00013; ExAC 0.00014; 1000 Genomes Project 30x 0.00016; 1000 Genomes Project 0.00020; gnomAD exomes 0.00022; ESP Exome Variant Server 0.00038.
gnomAD v4.1: 339 of 1,613,552 alleles (0.021%); highest among the groups gnomAD compares: Middle Eastern, 0.033%; 1 homozygote.

Submission:

CeGaT Center for Human Genetics Tuebingen
Classification: Likely benign. Last evaluated: 2023-05-01. Review status: criteria provided, single submitter. Criteria: CeGaT Center For Human Genetics Tuebingen Variant Classification Criteria Version 2. Collection method: clinical testing. Allele origin: germline. Affected: yes. Observed: 2 variant alleles.
Comment: KMT5B: BP4, BP7